The following is an entry in ClinVar:

NM_003482.4(KMT2D):c.2675C>T (p.Ser892Phe)

Gene: KMT2D (lysine methyltransferase 2D; minus strand). Cytogenetic location: 12q13.12.
Variant type: single nucleotide variant.
Coding change: c.2675C>T on transcript NM_003482.4 (MANE Select); coding-DNA position 2675, C replaced by T.
Protein change: p.Ser892Phe; replaces serine 892 with phenylalanine.
Molecular consequence: missense variant.
Genome position (GRCh38, 1-based): chr12:49,051,008, G>A on the plus strand (C>T on the coding strand, the complement: KMT2D is on the minus strand). VCF-style: chr12-49051008-G-A. GRCh37 (hg19) VCF-style: chr12-49444791-G-A.
Other names: short protein forms S892F.
Identifiers: ClinVar variation 4777330 (VCV004777330.1).

ClinVar aggregate classification (germline): Uncertain significance (1 of 4 stars; one submission).

Conditions:
Kabuki syndrome. Also called: NIIKAWA-KUROKI SYNDROME; Kabuki make-up syndrome. Identifiers: Orphanet 2322, MedGen C0796004, MONDO:0016512.

Submission:

Labcorp Genetics (formerly Invitae), Labcorp
Classification: Uncertain significance for Kabuki syndrome. Last evaluated: 2025-04-17. Review status: criteria provided, single submitter. Criteria: Invitae Variant Classification Sherloc (09022015). Collection method: clinical testing. Allele origin: germline.
Comment: This sequence change replaces serine, which is neutral and polar, with phenylalanine, which is neutral and non-polar, at codon 892 of the KMT2D protein (p.Ser892Phe). This variant is not present in population databases (gnomAD no frequency). This variant has not been reported in the literature in individuals affected with KMT2D-related conditions. Invitae Evidence Modeling of protein sequence and biophysical properties (such as structural, functional, and spatial information, amino acid conservation, physicochemical variation, residue mobility, and thermodynamic stability) indicates that this missense variant is not expected to disrupt KMT2D protein function with a negative predictive value of 95%. In summary, the available evidence is currently insufficient to determine the role of this variant in disease. Therefore, it has been classified as a Variant of Uncertain Significance.